The following is an entry in ClinVar:

ClinVar aggregate classification (germline): Conflicting classifications of pathogenicity. Review status: criteria provided, conflicting classifications (1 of 4 stars). 3 submissions from 3 submitters: Uncertain significance (2); Likely benign (1). Last evaluated 2025-02-22.

Conditions:
Inborn genetic diseases. Identifiers: MedGen C0950123, MeSH D030342.
Early-infantile DEE. Also called: Ohtahara syndrome; Early infantile epileptic encephalopathy with suppression bursts; Early infantile epileptic encephalopathy. Identifiers: Orphanet 1934, MedGen C0393706, MONDO:0800491.

Allele frequency attached by ClinVar (database versions not stated): gnomAD exomes below 0.00001.
gnomAD v4.1: 4 of 1,614,200 alleles (0.00025%); highest among the groups gnomAD compares: Non-Finnish European, 0.00034%; no homozygotes.

Submissions (3):

Ambry Genetics
Classification: Uncertain significance for Inborn genetic diseases. Last evaluated: 2025-02-22. Review status: criteria provided, single submitter. Criteria: Ambry Variant Classification Scheme 2023. Collection method: clinical testing. Allele origin: germline.

Labcorp Genetics (formerly Invitae), Labcorp
Classification: Likely benign for Early-infantile DEE. Last evaluated: 2024-12-23. Review status: criteria provided, single submitter. Criteria: Invitae Variant Classification Sherloc (09022015). Collection method: clinical testing. Allele origin: germline.

GeneDx
Classification: Uncertain significance. Last evaluated: 2024-12-02. Review status: criteria provided, single submitter. Criteria: GeneDx Variant Classification Process June 2021. Collection method: clinical testing. Allele origin: germline. Affected: yes.
Comment: Not observed at significant frequency in large population cohorts (gnomAD); In silico analysis supports that this missense variant has a deleterious effect on protein structure/function; Has not been previously published as pathogenic or benign to our knowledge; This substitution is predicted to be within the N-terminal cytoplasmic domain

NM_001165963.4(SCN1A):c.119A>G (p.Asp40Gly)

Gene: SCN1A (sodium voltage-gated channel alpha subunit 1; minus strand). Cytogenetic location: 2q24.3.
Variant type: single nucleotide variant.
Coding change: c.119A>G on transcript NM_001165963.4 (MANE Select); coding-DNA position 119, A replaced by G.
Protein change: p.Asp40Gly; replaces aspartic acid 40 with glycine.
Molecular consequence: missense variant. On other transcripts: 5 prime UTR variant (1), non-coding transcript variant (1).
Genome position (GRCh38, 1-based): chr2:166,073,503, T>C on the plus strand (A>G on the coding strand, the complement: SCN1A is on the minus strand). VCF-style: chr2-166073503-T-C. GRCh37 (hg19) VCF-style: chr2-166930013-T-C.
Other names: c.119A>G, p.Asp40Gly (NM_001165964.3, NM_001202435.3, NM_001353948.2 and 10 more transcripts); c.-2307A>G (NM_001353961.2); c.119A>G (NM_001165963.1); short protein forms D40G.
Identifiers: ClinVar variation 1008558 (VCV001008558.11), dbSNP rs1684688433, ClinGen allele CA349243156.